The following is an entry in ClinVar:

ClinVar aggregate classification (germline): Pathogenic (1 of 4 stars; one submission).

Conditions:
Polycystic kidney disease 4 (PKD4). Also called: POLYCYSTIC KIDNEY AND HEPATIC DISEASE 1; POLYCYSTIC KIDNEY DISEASE, INFANTILE, TYPE I; POLYCYSTIC KIDNEY DISEASE 4 WITH OR WITHOUT POLYCYSTIC LIVER DISEASE; PKD3; Autosomal Recessive Polycystic Kidney Disease – PKHD1. Identifiers: MedGen C4540575, MONDO:0033004, OMIM 263200.

Submission:

Myriad Genetics, Inc.
Classification: Pathogenic for Polycystic kidney disease 4. Last evaluated: 2025-04-06. Review status: criteria provided, single submitter. Criteria: Myriad Autosomal Dominant, Autosomal Recessive and X-Linked Classification Criteria (2023). Collection method: clinical testing. Allele origin: unknown.
Comment: NM_138694.3(PKHD1):c.8818delG(D2940Mfs*14) is expected to be pathogenic in the context of autosomal recessive polycystic kidney disease, PKHD1-related. This variant is predicted to lead to an abnormal or absent protein product due to the creation of a premature termination codon in PKHD1, a gene where loss-of-function variants are known to be pathogenic. Please note: this variant was assessed in the context of healthy population screening.

NM_138694.4(PKHD1):c.8818del (p.Asp2940fs)

Gene: PKHD1 (PKHD1 ciliary IPT domain containing fibrocystin/polyductin; minus strand). Cytogenetic location: 6p12.3.
Variant type: Deletion.
Coding change: c.8818del on transcript NM_138694.4 (MANE Select); coding-DNA position 8818, one base deleted (G; older notation c.8818delG).
Protein change: p.Asp2940fs; shifts the reading frame from aspartic acid 2940.
Molecular consequence: frameshift variant.
Genome position (GRCh38, 1-based): chr6:51,753,333, C deleted on the plus strand (G on the coding strand, the reverse complement: PKHD1 is on the minus strand); the first of 2 consecutive C bases (chr6:51,753,333-51,753,334); deleting either gives the same sequence. VCF-style (leftmost placement, unchanged base first): chr6-51753332-TC-T. GRCh37 (hg19) VCF-style: chr6-51618130-TC-T.
Other names: c.8818del, p.Asp2940fs (NM_170724.3); short protein forms D2940fs.
Identifiers: ClinVar variation 5014308 (VCV005014308.1).